The following is an entry in ClinVar:

NM_001370658.1(BTD):c.1177G>A (p.Gly393Ser)

Gene: BTD (biotinidase; plus strand). Cytogenetic location: 3p25.1.
Variant type: single nucleotide variant.
Coding change: c.1177G>A on transcript NM_001370658.1 (MANE Select); coding-DNA position 1177, G replaced by A.
Protein change: p.Gly393Ser; replaces glycine 393 with serine.
Molecular consequence: missense variant. On other transcripts: intron variant (2).
Genome position (GRCh38, 1-based): chr3:15,645,093, G>A. VCF-style: chr3-15645093-G-A. GRCh37 (hg19) VCF-style: chr3-15686600-G-A.
Other names: G413S; p.Gly413Ser; c.1177G>A, p.Gly393Ser (NM_001407372.1, NM_001407373.1, NM_001407374.1 and 16 more transcripts); c.1237G>A, p.Gly413Ser (NM_000060.4); c.1015+162G>A (NM_001370752.1); c.399+3036G>A (NM_001370753.1); short protein forms G393S.
Identifiers: ClinVar variation 38577 (VCV000038577.14), dbSNP rs374141881, ClinGen allele CA278392.

ClinVar aggregate classification (germline): Conflicting classifications of pathogenicity. Review status: criteria provided, conflicting classifications (1 of 4 stars). 7 submissions from 7 submitters: Pathogenic (1); Likely pathogenic (1); Uncertain significance (3). 2 of the submissions do not count toward it. Last evaluated 2026-07-15.

Conditions:
Biotinidase deficiency. Also called: BTD deficiency; Late-onset biotin-responsive multiple carboxylase deficiency; Biotin deficiency. Identifiers: Orphanet 79241, MedGen C0220754, MONDO:0009665, OMIM 253260.

Allele frequency attached by ClinVar (database versions not stated): TOPMed 0.00002; gnomAD exomes 0.00003; ESP Exome Variant Server 0.00008.
gnomAD v4.1: 52 of 1,614,076 alleles (0.0032%); highest among the groups gnomAD compares: Non-Finnish European, 0.0043%; no homozygotes.

Submissions (7):

Myriad Genetics, Inc.
Classification: Uncertain significance for Biotinidase deficiency. Last evaluated: 2026-07-15. Review status: criteria provided, single submitter. Criteria: Myriad Autosomal Dominant, Autosomal Recessive and X-Linked Classification Criteria (2023). Collection method: clinical testing. Allele origin: unknown.
Comment: NM_000060.2(BTD):c.1237G>A(G413S) is a missense variant classified as a variant of uncertain significance in the context of biotinidase deficiency. G413S has been observed in a case with relevant disease (PMID: 25144890). Relevant functional assessments of this variant are not available in the literature. G413S has been observed in referenced population frequency databases. In summary, there is insufficient evidence to classify NM_000060.2(BTD):c.1237G>A(G413S) as pathogenic or benign. Please note: this variant was assessed in the context of healthy population screening.

Variantyx, Inc.
Classification: Likely pathogenic for Biotinidase deficiency. Last evaluated: 2025-09-16. Review status: criteria provided, single submitter. Criteria: Variantyx Assertion Criteria 2022. Collection method: clinical testing. Allele origin: germline. Inheritance: Autosomal recessive inheritance. Affected: yes.
Comment: This is a nonsynonymous variant in the BTD gene (OMIM: 609019). Pathogenic variants in this gene have been associated with autosomal recessive biotinidase deficiency. It lies within a known hotspot for pathogenic variants or a well-established critical functional domain of the BTD protein (PMID: 9396567, 26810761, 14707518) (PM1), and multiple computational algorithms predict a deleterious effect for this variant (REVEL score: 0.823) (PP3). This variant has a 0.0043% maximum allele frequency in non-founder control populations (PM2). Based on the current evidence, this variant is classified as likely pathogenic for autosomal recessive biotinidase deficiency.

Bioscientia Institut fuer Medizinische Diagnostik GmbH, Sonic Healthcare
Classification: Pathogenic for Biotinidase deficiency. Last evaluated: 2025-03-04. Review status: criteria provided, single submitter. Criteria: ACMG Guidelines, 2015. Collection method: clinical testing. Allele origin: germline. Affected: yes.

Labcorp Genetics (formerly Invitae), Labcorp
Classification: Uncertain significance for Biotinidase deficiency. Last evaluated: 2023-12-05. Review status: criteria provided, single submitter. Criteria: Invitae Variant Classification Sherloc (09022015). Collection method: clinical testing. Allele origin: germline.
Comment: This sequence change replaces glycine, which is neutral and non-polar, with serine, which is neutral and polar, at codon 413 of the BTD protein (p.Gly413Ser). This variant is present in population databases (rs374141881, gnomAD 0.003%). This missense change has been observed in individual(s) with partial biotinidase deficiency (PMID: 25144890). ClinVar contains an entry for this variant (Variation ID: 38577). Advanced modeling of protein sequence and biophysical properties (such as structural, functional, and spatial information, amino acid conservation, physicochemical variation, residue mobility, and thermodynamic stability) performed at Invitae indicates that this missense variant is expected to disrupt BTD protein function with a positive predictive value of 95%. In summary, the available evidence is currently insufficient to determine the role of this variant in disease. Therefore, it has been classified as a Variant of Uncertain Significance.

Mayo Clinic Laboratories, Mayo Clinic
Classification: Uncertain significance. Last evaluated: 2021-12-22. Review status: criteria provided, single submitter. Criteria: ACMG Guidelines, 2015. Collection method: clinical testing. Allele origin: germline. Observed: 1 variant allele.
Comment: PP3, PM2

Natera, Inc.
Classification: Uncertain significance for Biotinidase deficiency. Last evaluated: 2020-09-16. Review status: no assertion criteria provided. Collection method: clinical testing. Allele origin: germline. Not counted in ClinVar's aggregate classification.

Counsyl
Classification: Uncertain significance for Biotinidase deficiency. Last evaluated: 2017-12-14. Review status: no assertion criteria provided. Collection method: clinical testing. Allele origin: unknown. Not counted in ClinVar's aggregate classification.

Literature cited by the submitters: PubMed 25144890 (cited by 3 submitters); PubMed 9396567 (cited by Variantyx, Inc.); PubMed 26810761 (cited by Variantyx, Inc.); PubMed 14707518 (cited by Variantyx, Inc.).